The following is an entry in ClinVar:

ClinVar aggregate classification (germline): Pathogenic (1 of 4 stars; one submission).

Submission:

Labcorp Genetics (formerly Invitae), Labcorp
Classification: Pathogenic. Last evaluated: 2023-08-04. Review status: criteria provided, single submitter. Criteria: Invitae Variant Classification Sherloc (09022015). Collection method: clinical testing. Allele origin: germline.
Comment: For these reasons, this variant has been classified as Pathogenic. ClinVar contains an entry for this variant (Variation ID: 2018216). This variant has not been reported in the literature in individuals affected with ATP2B2-related conditions. This variant is not present in population databases (gnomAD no frequency). This sequence change creates a premature translational stop signal (p.Met865Ilefs*20) in the ATP2B2 gene. It is expected to result in an absent or disrupted protein product. Loss-of-function variants in ATP2B2 are known to be pathogenic (PMID: 30535804).

Literature cited by the submitters: PubMed 30535804.

NM_001001331.4(ATP2B2):c.2726_2729dup (p.Met910fs)

Gene: ATP2B2 (ATPase plasma membrane Ca2+ transporting 2; minus strand). Cytogenetic location: 3p25.3.
Variant type: Duplication.
Coding change: c.2726_2729dup on transcript NM_001001331.4 (MANE Select); coding-DNA positions 2726 to 2729, 4 bases duplicated (AGAT; older notation c.2726_2729dupAGAT).
Protein change: p.Met910fs; shifts the reading frame from methionine 910.
Molecular consequence: frameshift variant.
Genome position (GRCh38, 1-based): chr3:10,342,940-10,342,943, ATCT duplicated on the plus strand (AGAT on the coding strand, the reverse complement: ATP2B2 is on the minus strand). VCF-style (leftmost placement, unchanged base first): chr3-10342939-C-CATCT. GRCh37 (hg19) VCF-style: chr3-10384623-C-CATCT.
Other names: c.2591_2594dup, p.Met865fs (NM_001330611.3, NM_001353564.1, NM_001363862.1 and 1 more transcripts); short protein forms M865fs, M910fs.
Identifiers: ClinVar variation 2018216 (VCV002018216.4), dbSNP rs2470148244, ClinGen allele CA2580068392.